The following is an entry in ClinVar:

ClinVar aggregate classification (germline): Uncertain significance (1 of 4 stars; one submission).

Conditions:
Catecholaminergic polymorphic ventricular tachycardia 1. Also called: RYR2-Related Catecholaminergic Polymorphic Ventricular Tachycardia; VENTRICULAR TACHYCARDIA, STRESS-INDUCED POLYMORPHIC 1; VENTRICULAR TACHYCARDIA, CATECHOLAMINERGIC POLYMORPHIC, 1, WITH OR WITHOUT ATRIAL DYSFUNCTION AND/OR DILATED CARDIOMYOPATHY. Identifiers: Orphanet 3286, MedGen C1631597, MONDO:0011484, OMIM 604772.

Submission:

Labcorp Genetics (formerly Invitae), Labcorp
Classification: Uncertain significance for Catecholaminergic polymorphic ventricular tachycardia 1. Last evaluated: 2021-08-03. Review status: criteria provided, single submitter. Criteria: Invitae Variant Classification Sherloc (09022015). Collection method: clinical testing. Allele origin: germline.
Comment: Advanced modeling of protein sequence and biophysical properties (such as structural, functional, and spatial information, amino acid conservation, physicochemical variation, residue mobility, and thermodynamic stability) performed at Invitae indicates that this missense variant is expected to disrupt RYR2 protein function. In summary, the available evidence is currently insufficient to determine the role of this variant in disease. Therefore, it has been classified as a Variant of Uncertain Significance. This variant has not been reported in the literature in individuals affected with RYR2-related conditions. This variant is not present in population databases (ExAC no frequency). This sequence change replaces methionine with arginine at codon 4884 of the RYR2 protein (p.Met4884Arg). The methionine residue is highly conserved and there is a moderate physicochemical difference between methionine and arginine.

NM_001035.3(RYR2):c.14651T>G (p.Met4884Arg)

Gene: RYR2 (ryanodine receptor 2; plus strand). Cytogenetic location: 1q43.
Variant type: single nucleotide variant.
Coding change: c.14651T>G on transcript NM_001035.3 (MANE Select); coding-DNA position 14651, T replaced by G.
Protein change: p.Met4884Arg; replaces methionine 4884 with arginine.
Molecular consequence: missense variant.
Genome position (GRCh38, 1-based): chr1:237,828,441, T>G. VCF-style: chr1-237828441-T-G. GRCh37 (hg19) VCF-style: chr1-237991741-T-G.
Other names: short protein forms M4884R.
Identifiers: ClinVar variation 1469879 (VCV001469879.7), dbSNP rs2102926629, ClinGen allele CA345429475.